The following is an entry in ClinVar:

NM_000233.4(LHCGR):c.832C>T (p.His278Tyr)

Genes: LHCGR (luteinizing hormone/choriogonadotropin receptor; minus strand), STON1-GTF2A1L (STON1-GTF2A1L readthrough; plus strand). Cytogenetic location: 2p16.3.
Variant type: single nucleotide variant.
Coding change: c.832C>T on transcript NM_000233.4 (MANE Select); coding-DNA position 832, C replaced by T.
Protein change: p.His278Tyr; replaces histidine 278 with tyrosine.
Molecular consequence: missense variant. On other transcripts: intron variant (1).
Genome position (GRCh38, 1-based): chr2:48,698,649, G>A on the plus strand (C>T on the coding strand, the complement: LHCGR is on the minus strand). VCF-style: chr2-48698649-G-A. GRCh37 (hg19) VCF-style: chr2-48925788-G-A.
Other names: c.3441+26969G>A (NM_001198593.2); short protein forms H278Y.
Identifiers: ClinVar variation 2862103 (VCV002862103.3), dbSNP rs2529745088, ClinGen allele CA346753293.

ClinVar aggregate classification (germline): Uncertain significance (1 of 4 stars; one submission).

Submission:

Labcorp Genetics (formerly Invitae), Labcorp
Classification: Uncertain significance. Last evaluated: 2023-05-05. Review status: criteria provided, single submitter. Criteria: Invitae Variant Classification Sherloc (09022015). Collection method: clinical testing. Allele origin: germline.
Comment: In summary, the available evidence is currently insufficient to determine the role of this variant in disease. Therefore, it has been classified as a Variant of Uncertain Significance. Advanced modeling of protein sequence and biophysical properties (such as structural, functional, and spatial information, amino acid conservation, physicochemical variation, residue mobility, and thermodynamic stability) performed at Invitae indicates that this missense variant is expected to disrupt LHCGR protein function. This variant has not been reported in the literature in individuals affected with LHCGR-related conditions. This variant is not present in population databases (gnomAD no frequency). This sequence change replaces histidine, which is basic and polar, with tyrosine, which is neutral and polar, at codon 278 of the LHCGR protein (p.His278Tyr).